The following is an entry in ClinVar:

ClinVar aggregate classification (germline): Pathogenic (1 of 4 stars; one submission).

Submission:

ISCA site 4
Classification: Pathogenic. Last evaluated: 2011-08-12. Review status: criteria provided, single submitter. Criteria: Kaminsky et al. (Genet Med. 2011). Collection method: clinical testing. Allele origin: unknown. Affected: yes. Observed: 1 variant allele.
Comment: Copy number variation identified through the course of routine clinical cytogenomic testing in postnatal populations. Clinical assertions have been curated as described in Kaminsky et al. 2011.

GRCh38/hg38 15q11.2-13.1(chr15:23319714-28446314)x1

Genes: ATP10A (ATPase phospholipid transporting 10A (putative); minus strand), ATP10A-DT (ATP10A divergent transcript; plus strand), GABRA5 (gamma-aminobutyric acid type A receptor subunit alpha5; plus strand), GABRB3 (gamma-aminobutyric acid type A receptor subunit beta3; minus strand), GABRG3 (gamma-aminobutyric acid type A receptor subunit gamma3; plus strand) and 144 more. Cytogenetic location: 15q11.2-13.1.
Variant type: copy number loss.
Change: copy number 1 (one copy instead of two) of chr15:23,319,714-28,446,314 (5.13 Mb, GRCh38 coordinates, 1-based), cytogenetic band 15q11.2-13.1.
Identifiers: ClinVar variation 160969 (VCV000160969.1).